The following is an entry in ClinVar:

NM_001378454.1(ALMS1):c.11117C>G (p.Ser3706Cys)

Gene: ALMS1 (ALMS1 centrosome and basal body associated protein; plus strand). Cytogenetic location: 2p13.1.
Variant type: single nucleotide variant.
Coding change: c.11117C>G on transcript NM_001378454.1 (MANE Select); coding-DNA position 11117, C replaced by G.
Protein change: p.Ser3706Cys; replaces serine 3706 with cysteine.
Molecular consequence: missense variant.
Genome position (GRCh38, 1-based): chr2:73,572,994, C>G. VCF-style: chr2-73572994-C-G. GRCh37 (hg19) VCF-style: chr2-73800121-C-G.
Other names: c.11120C>G, p.Ser3707Cys (NM_015120.4); short protein forms S3707C, S3706C.
Identifiers: ClinVar variation 459846 (VCV000459846.18), dbSNP rs533965968, ClinGen allele CA1715125.

ClinVar aggregate classification (germline): Benign/Likely benign. Review status: criteria provided, multiple submitters, no conflicts (2 of 4 stars). 5 submissions from 5 submitters: Benign (2); Likely benign (3). Last evaluated 2026-01-28.

Conditions:
Cardiovascular phenotype. Identifiers: MedGen CN230736.
Alstrom syndrome (ALMS). Identifiers: Orphanet 64, MedGen C0268425, MONDO:0008763, OMIM 203800.

Allele frequency attached by ClinVar (database versions not stated): gnomAD below 0.00001 and 0.00046; TOPMed 0.00008; gnomAD exomes 0.00068 and 0.00132; ExAC 0.00146; 1000 Genomes Project 0.00379; 1000 Genomes Project 30x 0.00422.
gnomAD v4.1: 1,074 of 1,614,032 alleles (0.067%); highest among the groups gnomAD compares: South Asian, 1.1%; 23 homozygotes.

Submissions (6):

Labcorp Genetics (formerly Invitae), Labcorp
Classification: Benign for Alstrom syndrome. Last evaluated: 2026-01-28. Review status: criteria provided, single submitter. Criteria: Invitae Variant Classification Sherloc (09022015). Collection method: clinical testing. Allele origin: germline.

Blueprint Genetics
Classification: Likely benign. Last evaluated: 2024-11-19. Review status: criteria provided, single submitter. Criteria: ACMG Guidelines, 2015. Collection method: clinical testing. Allele origin: germline.

Fulgent Genetics
Classification: Likely benign for Alstrom syndrome. Last evaluated: 2021-07-14. Review status: criteria provided, single submitter. Criteria: ACMG Guidelines, 2015. Collection method: clinical testing. Allele origin: unknown.

Ambry Genetics
Classification: Likely benign for Cardiovascular phenotype. Last evaluated: 2020-11-19. Review status: criteria provided, single submitter. Criteria: Ambry Variant Classification Scheme 2023. Collection method: clinical testing. Allele origin: germline.

GeneDx
Classification: Benign. Last evaluated: 2019-03-15. Review status: criteria provided, single submitter. Criteria: GeneDx Variant Classification Process June 2021. Collection method: clinical testing. Allele origin: germline. Affected: yes.
Comment: This variant is associated with the following publications: (PMID: 24400638)

Dr. Peter K. Rogan Lab, Western University
No classification provided (evidence only). Condition: Clear cell carcinoma of kidney. Review status: no classification provided. Collection method: in vitro. Allele origin: not applicable. Functional consequence: retained intron. Not counted in ClinVar's aggregate classification.

Literature cited by the submitters: PubMed 24400638 (cited by Ambry Genetics); PubMed 25846608 (cited by Ambry Genetics).